The following is an entry in ClinVar:

NM_000095.3(COMP):c.440C>T (p.Pro147Leu)

Gene: COMP (cartilage oligomeric matrix protein; minus strand). Cytogenetic location: 19p13.11.
Variant type: single nucleotide variant.
Coding change: c.440C>T on transcript NM_000095.3 (MANE Select); coding-DNA position 440, C replaced by T.
Protein change: p.Pro147Leu; replaces proline 147 with leucine.
Molecular consequence: missense variant.
Genome position (GRCh38, 1-based): chr19:18,789,248, G>A on the plus strand (C>T on the coding strand, the complement: COMP is on the minus strand). VCF-style: chr19-18789248-G-A. GRCh37 (hg19) VCF-style: chr19-18900057-G-A.
Other names: c.440C>T (NM_000095.2); short protein forms P147L.
Identifiers: ClinVar variation 2007121 (VCV002007121.5), dbSNP rs778825368, ClinGen allele CA306258911.

ClinVar aggregate classification (germline): Uncertain significance. Review status: criteria provided, multiple submitters, no conflicts (2 of 4 stars). 2 submissions from 2 submitters: Uncertain significance (2). Last evaluated 2024-10-17.

Conditions:
Inborn genetic diseases. Identifiers: MedGen C0950123, MeSH D030342.

Allele frequency attached by ClinVar (database versions not stated): gnomAD 0.00001.
gnomAD v4.1: 12 of 1,525,562 alleles (0.00079%); highest among the groups gnomAD compares: South Asian, 0.0013%; no homozygotes.

Submissions (2):

Ambry Genetics
Classification: Uncertain significance for Inborn genetic diseases. Last evaluated: 2024-10-17. Review status: criteria provided, single submitter. Criteria: Ambry Variant Classification Scheme 2023. Collection method: clinical testing. Allele origin: germline.

Labcorp Genetics (formerly Invitae), Labcorp
Classification: Uncertain significance. Last evaluated: 2022-08-03. Review status: criteria provided, single submitter. Criteria: Invitae Variant Classification Sherloc (09022015). Collection method: clinical testing. Allele origin: germline.
Comment: In summary, the available evidence is currently insufficient to determine the role of this variant in disease. Therefore, it has been classified as a Variant of Uncertain Significance. Advanced modeling of protein sequence and biophysical properties (such as structural, functional, and spatial information, amino acid conservation, physicochemical variation, residue mobility, and thermodynamic stability) performed at Invitae indicates that this missense variant is expected to disrupt COMP protein function. This variant has not been reported in the literature in individuals affected with COMP-related conditions. This variant is present in population databases (rs778825368, gnomAD 0.001%). This sequence change replaces proline, which is neutral and non-polar, with leucine, which is neutral and non-polar, at codon 147 of the COMP protein (p.Pro147Leu).